The following is an entry in ClinVar:

NM_001145809.2(MYH14):c.4714G>A (p.Glu1572Lys)

Gene: MYH14 (myosin heavy chain 14; plus strand). Cytogenetic location: 19q13.33.
Variant type: single nucleotide variant.
Coding change: c.4714G>A on transcript NM_001145809.2 (MANE Select); coding-DNA position 4714, G replaced by A.
Protein change: p.Glu1572Lys; replaces glutamic acid 1572 with lysine.
Molecular consequence: missense variant.
Genome position (GRCh38, 1-based): chr19:50,286,656, G>A. VCF-style: chr19-50286656-G-A. GRCh37 (hg19) VCF-style: chr19-50789913-G-A.
Other names: c.4615G>A, p.Glu1539Lys (NM_001077186.2); c.4591G>A, p.Glu1531Lys (NM_024729.4); short protein forms E1539K, E1531K, E1572K.
Identifiers: ClinVar variation 1348523 (VCV001348523.8), dbSNP rs776291919, ClinGen allele CA9593581.

ClinVar aggregate classification (germline): Uncertain significance (1 of 4 stars; one submission).

Allele frequency attached by ClinVar (database versions not stated): gnomAD exomes below 0.00001; TOPMed below 0.00001; ExAC 0.00002.
gnomAD v4.1: 4 of 1,585,946 alleles (0.00025%); highest among the groups gnomAD compares: Non-Finnish European, 0.00034%; no homozygotes.

Submission:

Labcorp Genetics (formerly Invitae), Labcorp
Classification: Uncertain significance. Last evaluated: 2023-10-13. Review status: criteria provided, single submitter. Criteria: Invitae Variant Classification Sherloc (09022015). Collection method: clinical testing. Allele origin: germline.
Comment: This sequence change replaces glutamic acid, which is acidic and polar, with lysine, which is basic and polar, at codon 1531 of the MYH14 protein (p.Glu1531Lys). The frequency data for this variant in the population databases is considered unreliable, as metrics indicate poor data quality at this position in the gnomAD database. This variant has not been reported in the literature in individuals affected with MYH14-related conditions. ClinVar contains an entry for this variant (Variation ID: 1348523). Advanced modeling of protein sequence and biophysical properties (such as structural, functional, and spatial information, amino acid conservation, physicochemical variation, residue mobility, and thermodynamic stability) performed at Invitae indicates that this missense variant is expected to disrupt MYH14 protein function. In summary, the available evidence is currently insufficient to determine the role of this variant in disease. Therefore, it has been classified as a Variant of Uncertain Significance.